The following is an entry in ClinVar:

NM_206933.4(USH2A):c.13825A>G (p.Ile4609Val)

Gene: USH2A (usherin; minus strand). Cytogenetic location: 1q41.
Variant type: single nucleotide variant.
Coding change: c.13825A>G on transcript NM_206933.4 (MANE Select); coding-DNA position 13825, A replaced by G.
Protein change: p.Ile4609Val; replaces isoleucine 4609 with valine.
Molecular consequence: missense variant.
Genome position (GRCh38, 1-based): chr1:215,671,280, T>C on the plus strand (A>G on the coding strand, the complement: USH2A is on the minus strand). VCF-style: chr1-215671280-T-C. GRCh37 (hg19) VCF-style: chr1-215844622-T-C.
Other names: short protein forms I4609V.
Identifiers: ClinVar variation 3573769 (VCV003573769.2).

ClinVar aggregate classification (germline): Uncertain significance. Review status: criteria provided, multiple submitters, no conflicts (2 of 4 stars). 2 submissions from 2 submitters: Uncertain significance (2). Last evaluated 2024-07-16.

gnomAD v4.1: 1 of 1,614,030 alleles (0.000062%); highest among the groups gnomAD compares: Non-Finnish European, 0.000085%; no homozygotes.

Submissions (2):

GeneDx
Classification: Uncertain significance. Last evaluated: 2024-07-16. Review status: criteria provided, single submitter. Criteria: GeneDx Variant Classification Process June 2021. Collection method: clinical testing. Allele origin: germline. Affected: yes.
Comment: Not observed at significant frequency in large population cohorts (gnomAD); In silico analysis indicates that this missense variant does not alter protein structure/function; Has not been previously published as pathogenic or benign to our knowledge

Blueprint Genetics
Classification: Uncertain significance. Last evaluated: 2019-08-10. Review status: criteria provided, single submitter. Criteria: ACMG Guidelines, 2015. Collection method: clinical testing. Allele origin: germline.